The following is an entry in ClinVar:

NM_001004334.4(GPR179):c.6793G>A (p.Glu2265Lys)

Gene: GPR179 (G protein-coupled receptor 179; minus strand). Cytogenetic location: 17q12.
Variant type: single nucleotide variant.
Coding change: c.6793G>A on transcript NM_001004334.4 (MANE Select); coding-DNA position 6793, G replaced by A.
Protein change: p.Glu2265Lys; replaces glutamic acid 2265 with lysine.
Molecular consequence: missense variant.
Genome position (GRCh38, 1-based): chr17:38,326,776, C>T on the plus strand (G>A on the coding strand, the complement: GPR179 is on the minus strand). VCF-style: chr17-38326776-C-T. GRCh37 (hg19) VCF-style: chr17-36482659-C-T.
Other names: short protein forms E2265K.
Identifiers: ClinVar variation 1045010 (VCV001045010.8), dbSNP rs561096333, ClinGen allele CA290102805.
Genomic context (GRCh38, chr17:38,326,776, plus strand): 5'-GATCCAGAGGCCCATGGACTAAAAGGCATAGTGGTTTTTCAGGAGCTGTGGGGAAAAATT[C>T]TCTCCGAGTTGCTGTTAAAGCCAGGAGGCCAGATTCCTCAGATGGGACTCCAGTTTCCTC-3'
Protein context (NP_001004334.3, residues 2255-2275): GLLALTATRR[Glu2265Lys]FFPTAPEKPL

ClinVar aggregate classification (germline): Uncertain significance (1 of 4 stars; one submission).

Allele frequency attached by ClinVar (database versions not stated): ExAC 0.00001.
gnomAD v4.1: 25 of 1,614,232 alleles (0.0015%); highest among the groups gnomAD compares: Non-Finnish European, 0.0019%; no homozygotes.

Submission:

Labcorp Genetics (formerly Invitae), Labcorp
Classification: Uncertain significance. Last evaluated: 2022-08-15. Review status: criteria provided, single submitter. Criteria: Invitae Variant Classification Sherloc (09022015). Collection method: clinical testing. Allele origin: germline.
Comment: This sequence change replaces glutamic acid, which is acidic and polar, with lysine, which is basic and polar, at codon 2265 of the GPR179 protein (p.Glu2265Lys). This variant is present in population databases (rs561096333, gnomAD no frequency). This variant has not been reported in the literature in individuals affected with GPR179-related conditions. ClinVar contains an entry for this variant (Variation ID: 1045010). Algorithms developed to predict the effect of missense changes on protein structure and function are either unavailable or do not agree on the potential impact of this missense change (SIFT: "Deleterious"; PolyPhen-2: "Possibly Damaging"; Align-GVGD: "Class C0"). In summary, the available evidence is currently insufficient to determine the role of this variant in disease. Therefore, it has been classified as a Variant of Uncertain Significance.